The following is an entry in ClinVar:

ClinVar aggregate classification (germline): Uncertain significance. Review status: criteria provided, multiple submitters, no conflicts (2 of 4 stars). 2 submissions from 2 submitters: Uncertain significance (2). Last evaluated 2025-01-03.

Allele frequency attached by ClinVar (database versions not stated): ExAC 0.00001; TOPMed 0.00001; ESP Exome Variant Server 0.00008.

Submissions (2):

Ambry Genetics
Classification: Uncertain significance. Last evaluated: 2025-01-03. Review status: criteria provided, single submitter. Criteria: Ambry Variant Classification Scheme 2023. Collection method: clinical testing. Allele origin: germline.
Comment: The p.M66V variant (also known as c.196A>G), located in coding exon 2 of the GEN1 gene, results from an A to G substitution at nucleotide position 196. The methionine at codon 66 is replaced by valine, an amino acid with highly similar properties. This amino acid position is conserved. In addition, the in silico prediction for this alteration is inconclusive. Based on the available evidence, the clinical significance of this variant remains unclear.

Labcorp Genetics (formerly Invitae), Labcorp
Classification: Uncertain significance. Last evaluated: 2021-12-06. Review status: criteria provided, single submitter. Criteria: Invitae Variant Classification Sherloc (09022015). Collection method: clinical testing. Allele origin: germline.
Comment: In summary, the available evidence is currently insufficient to determine the role of this variant in disease. Therefore, it has been classified as a Variant of Uncertain Significance. Algorithms developed to predict the effect of missense changes on protein structure and function are either unavailable or do not agree on the potential impact of this missense change (SIFT: "Tolerated"; PolyPhen-2: "Probably Damaging"; Align-GVGD: "Class C0"). This variant has not been reported in the literature in individuals affected with GEN1-related conditions. This variant is not present in population databases (gnomAD no frequency). This sequence change replaces methionine, which is neutral and non-polar, with valine, which is neutral and non-polar, at codon 66 of the GEN1 protein (p.Met66Val).

NM_001130009.3(GEN1):c.196A>G (p.Met66Val)

Gene: GEN1 (GEN1 structure-specific endonuclease; plus strand). Cytogenetic location: 2p24.2.
Variant type: single nucleotide variant.
Coding change: c.196A>G on transcript NM_001130009.3 (MANE Select); coding-DNA position 196, A replaced by G.
Protein change: p.Met66Val; replaces methionine 66 with valine.
Molecular consequence: missense variant.
Genome position (GRCh38, 1-based): chr2:17,761,430, A>G. VCF-style: chr2-17761430-A-G. GRCh37 (hg19) VCF-style: chr2-17942697-A-G.
Other names: c.196A>G, p.Met66Val (NM_182625.5); c.196A>G (NM_001130009.1); short protein forms M66V.
Identifiers: ClinVar variation 1425235 (VCV001425235.7), dbSNP rs141837989, ClinGen allele CA1540353.